The following is an entry in ClinVar:

NM_004311.4(ARL3):c.508A>G (p.Met170Val)

Gene: ARL3 (ARF like GTPase 3; minus strand). Cytogenetic location: 10q24.32.
Variant type: single nucleotide variant.
Coding change: c.508A>G on transcript NM_004311.4 (MANE Select); coding-DNA position 508, A replaced by G.
Protein change: p.Met170Val; replaces methionine 170 with valine.
Molecular consequence: missense variant.
Genome position (GRCh38, 1-based): chr10:102,676,935, T>C on the plus strand (A>G on the coding strand, the complement: ARL3 is on the minus strand). VCF-style: chr10-102676935-T-C. GRCh37 (hg19) VCF-style: chr10-104436692-T-C.
Other names: short protein forms M170V.
Identifiers: ClinVar variation 957631 (VCV000957631.9), dbSNP rs768054507, ClinGen allele CA5668403.

ClinVar aggregate classification (germline): Uncertain significance. Review status: criteria provided, multiple submitters, no conflicts (2 of 4 stars). 2 submissions from 2 submitters: Uncertain significance (2). Last evaluated 2025-12-24.

Conditions:
Inborn genetic diseases. Identifiers: MedGen C0950123, MeSH D030342.

Allele frequency attached by ClinVar (database versions not stated): gnomAD exomes 0.00014 and 0.00006; gnomAD 0.00001; TOPMed 0.00004; ExAC 0.00007.

Submissions (2):

Labcorp Genetics (formerly Invitae), Labcorp
Classification: Uncertain significance. Last evaluated: 2025-12-24. Review status: criteria provided, single submitter. Criteria: Invitae Variant Classification Sherloc (09022015). Collection method: clinical testing. Allele origin: germline.
Comment: This sequence change replaces methionine, which is neutral and non-polar, with valine, which is neutral and non-polar, at codon 170 of the ARL3 protein (p.Met170Val). This variant is present in population databases (rs768054507, gnomAD 0.1%). This variant has not been reported in the literature in individuals affected with ARL3-related conditions. ClinVar contains an entry for this variant (Variation ID: 957631). An algorithm developed to predict the effect of missense changes on protein structure and function (PolyPhen-2) suggests that this variant is likely to be tolerated. In summary, the available evidence is currently insufficient to determine the role of this variant in disease. Therefore, it has been classified as a Variant of Uncertain Significance.

Ambry Genetics
Classification: Uncertain significance for Inborn genetic diseases. Last evaluated: 2025-01-22. Review status: criteria provided, single submitter. Criteria: Ambry Variant Classification Scheme 2023. Collection method: clinical testing. Allele origin: germline.